The following is an entry in ClinVar:

NM_003073.5(SMARCB1):c.971A>G (p.Lys324Arg)

Gene: SMARCB1 (SWI/SNF related BAF chromatin remodeling complex subunit B1; plus strand). Cytogenetic location: 22q11.23.
Variant type: single nucleotide variant.
Coding change: c.971A>G on transcript NM_003073.5 (MANE Select); coding-DNA position 971, A replaced by G.
Protein change: p.Lys324Arg; replaces lysine 324 with arginine.
Molecular consequence: missense variant.
Genome position (GRCh38, 1-based): chr22:23,825,400, A>G. VCF-style: chr22-23825400-A-G. GRCh37 (hg19) VCF-style: chr22-24167587-A-G.
Other names: c.944A>G, p.Lys315Arg (NM_001007468.3); c.998A>G, p.Lys333Arg (NM_001317946.2); c.1025A>G, p.Lys342Arg (NM_001362877.2); short protein forms K324R, K342R, K315R, K333R.
Identifiers: ClinVar variation 4550097 (VCV004550097.1).
Genomic context (GRCh38, chr22:23,825,400, plus strand): 5'-GCGGGGAGTTTGTCACCACCATCGCATACAGCATCCGGGGACAGCTGAGCTGGCATCAGA[A>G]GACCTACGCCTTCAGGTAGGATCATGCATGAGTCTCTCCCTCCCTCATCTCCCTGCAAAA-3'
Protein context (NP_003064.2, residues 314-334): SIRGQLSWHQ[Lys324Arg]TYAFSENPLP

ClinVar aggregate classification (germline): Uncertain significance (1 of 4 stars; one submission).

Conditions:
Hereditary cancer-predisposing syndrome. Also called: Tumor predisposition; Hereditary Cancer Syndrome; Hereditary neoplastic syndrome; Neoplastic Syndromes, Hereditary. Identifiers: Orphanet 140162, MedGen C0027672, MeSH D009386, MONDO:0015356.

Submission:

Ambry Genetics
Classification: Uncertain significance for Hereditary cancer-predisposing syndrome. Last evaluated: 2025-12-09. Review status: criteria provided, single submitter. Criteria: Ambry Variant Classification Scheme 2023. Collection method: clinical testing. Allele origin: germline.
Comment: The p.K324R variant (also known as c.971A>G), located in coding exon 7 of the SMARCB1 gene, results from an A to G substitution at nucleotide position 971. The lysine at codon 324 is replaced by arginine, an amino acid with highly similar properties. This amino acid position is not well conserved in available vertebrate species. In addition, this alteration is predicted to be tolerated by in silico analysis. Based on the available evidence, the clinical significance of this variant remains unclear.